The following is an entry in ClinVar:

ClinVar aggregate classification (germline): Likely benign (1 of 4 stars; one submission).

Allele frequency attached by ClinVar (database versions not stated): 1000 Genomes Project 30x 0.00234; 1000 Genomes Project 0.00280; gnomAD 0.00404; ESP Exome Variant Server 0.00416; ExAC 0.00480; gnomAD exomes 0.00528.
gnomAD v4.1: 8,246 of 1,613,984 alleles (0.51%); highest among the groups gnomAD compares: Non-Finnish European, 0.57%; 24 homozygotes.

Submission:

CeGaT Center for Human Genetics Tuebingen
Classification: Likely benign. Last evaluated: 2022-12-01. Review status: criteria provided, single submitter. Criteria: CeGaT Center For Human Genetics Tuebingen Variant Classification Criteria Version 2. Collection method: clinical testing. Allele origin: germline. Affected: yes. Observed: 1 variant allele.
Comment: SCUBE2: BP4, BP7, BS2

NM_001367977.2(SCUBE2):c.285T>C (p.Asn95=)

Gene: SCUBE2 (signal peptide, CUB domain and EGF like domain containing 2; minus strand). Cytogenetic location: 11p15.4.
Variant type: single nucleotide variant.
Coding change: c.285T>C on transcript NM_001367977.2 (MANE Select); coding-DNA position 285, T replaced by C.
Protein change: p.Asn95=; no amino-acid change (asparagine 95 retained).
Molecular consequence: synonymous variant.
Genome position (GRCh38, 1-based): chr11:9,079,481, A>G on the plus strand (T>C on the coding strand, the complement: SCUBE2 is on the minus strand). VCF-style: chr11-9079481-A-G. GRCh37 (hg19) VCF-style: chr11-9101028-A-G.
Other names: c.285T>C, p.Asn95= (NM_001170690.3, NM_001330199.3, NM_020974.4).
Identifiers: ClinVar variation 2641589 (VCV002641589.24), dbSNP rs141220103, ClinGen allele CA5876844.